The following is an entry in ClinVar:

ClinVar aggregate classification (germline): Likely benign. Review status: criteria provided, multiple submitters, no conflicts (2 of 4 stars). 3 submissions from 3 submitters: Likely benign (2). 1 of the submissions does not count toward it. Last evaluated 2023-11-11.

Conditions:
Combined pituitary hormone deficiencies, genetic form. Also called: Pituitary hormone deficiency, combined. Identifiers: Orphanet 95494, MedGen C4273747, MONDO:0013099.

Allele frequency attached by ClinVar (database versions not stated): gnomAD 0.00001; TOPMed 0.00002.

Submissions (3):

Labcorp Genetics (formerly Invitae), Labcorp
Classification: Likely benign. Last evaluated: 2023-11-11. Review status: criteria provided, single submitter. Criteria: Invitae Variant Classification Sherloc (09022015). Collection method: clinical testing. Allele origin: germline.

GeneDx
Classification: Likely benign. Last evaluated: 2018-05-31. Review status: criteria provided, single submitter. Criteria: GeneDx Variant Classification (06012015). Collection method: clinical testing. Allele origin: germline. Affected: yes.
Comment: This variant is considered likely benign or benign based on one or more of the following criteria: it is a conservative change, it occurs at a poorly conserved position in the protein, it is predicted to be benign by multiple in silico algorithms, and/or has population frequency not consistent with disease.

Natera, Inc.
Classification: Likely benign for Combined pituitary hormone deficiency. Last evaluated: 2020-09-16. Review status: no assertion criteria provided. Collection method: clinical testing. Allele origin: germline. Not counted in ClinVar's aggregate classification.

NM_178138.6(LHX3):c.79+1933G>C

Gene: LHX3 (LIM homeobox 3; minus strand). Cytogenetic location: 9q34.3.
Variant type: single nucleotide variant.
Coding change: c.79+1933G>C on transcript NM_178138.6 (MANE Select); 1933 bases into the intron after coding-DNA position 79, G replaced by C.
Molecular consequence: intron variant. On other transcripts: synonymous variant (1).
Genome position (GRCh38, 1-based): chr9:136,203,001, C>G on the plus strand (G>C on the coding strand, the complement: LHX3 is on the minus strand). VCF-style: chr9-136203001-C-G. GRCh37 (hg19) VCF-style: chr9-139094847-C-G.
Other names: c.39G>C, p.Ser13= (NM_014564.5).
Identifiers: ClinVar variation 669245 (VCV000669245.12), dbSNP rs1391957672, ClinGen allele CA467713586.